The following is an entry in ClinVar:

ClinVar aggregate classification (germline): Likely benign (1 of 4 stars; one submission).

gnomAD v4.1: 127 of 1,614,058 alleles (0.0079%); highest among the groups gnomAD compares: Non-Finnish European, 0.0097%; no homozygotes.

Submission:

CeGaT Center for Human Genetics Tuebingen
Classification: Likely benign. Last evaluated: 2024-10-01. Review status: criteria provided, single submitter. Criteria: CeGaT Center For Human Genetics Tuebingen Variant Classification Criteria Version 2. Collection method: clinical testing. Allele origin: germline. Affected: yes. Observed: 1 variant allele.
Comment: BRPF1: BP4, BP7

NM_001003694.2(BRPF1):c.2469G>A (p.Thr823=)

Gene: BRPF1 (bromodomain and PHD finger containing 1; plus strand). Cytogenetic location: 3p25.3.
Variant type: single nucleotide variant.
Coding change: c.2469G>A on transcript NM_001003694.2 (MANE Select); coding-DNA position 2469, G replaced by A.
Protein change: p.Thr823=; no amino-acid change (threonine 823 retained).
Molecular consequence: synonymous variant. On other transcripts: non-coding transcript variant (1).
Genome position (GRCh38, 1-based): chr3:9,743,735, G>A. VCF-style: chr3-9743735-G-A. GRCh37 (hg19) VCF-style: chr3-9785419-G-A.
Other names: c.2451G>A, p.Thr817= (NM_001319049.2, NM_004634.3); c.2448G>A, p.Thr816= (NM_001319050.2); c.2466G>A, p.Thr822= (NM_001410704.1).
Identifiers: ClinVar variation 3388187 (VCV003388187.14).